The following is an entry in ClinVar:

NM_015340.4(LARS2):c.1530G>A (p.Lys510=)

Genes: LARS2 (leucyl-tRNA synthetase 2, mitochondrial; plus strand), LARS2-AS1 (LARS2 antisense RNA 1; minus strand). Cytogenetic location: 3p21.31.
Variant type: single nucleotide variant.
Coding change: c.1530G>A on transcript NM_015340.4 (MANE Select); coding-DNA position 1530, G replaced by A.
Protein change: p.Lys510=; no amino-acid change (lysine 510 retained).
Molecular consequence: synonymous variant.
Genome position (GRCh38, 1-based): chr3:45,496,281, G>A. VCF-style: chr3-45496281-G-A. GRCh37 (hg19) VCF-style: chr3-45537773-G-A.
Other names: c.1530G>A, p.Lys510= (NM_001368263.1).
Identifiers: ClinVar variation 667122 (VCV000667122.4), dbSNP rs752585512, ClinGen allele CA2349632.

ClinVar aggregate classification (germline): Likely benign (1 of 4 stars; one submission).

Allele frequency attached by ClinVar (database versions not stated): gnomAD below 0.00001 and 0.00001; gnomAD exomes 0.00001 and 0.00003; TOPMed 0.00001; ExAC 0.00004.
gnomAD v4.1: 20 of 1,612,558 alleles (0.0012%); highest among the groups gnomAD compares: South Asian, 0.021%; 1 homozygote.

Submission:

Laboratory for Molecular Medicine, Mass General Brigham Personalized Medicine
Classification: Likely benign. Last evaluated: 2017-08-23. Review status: criteria provided, single submitter. Criteria: LMM Criteria. Collection method: clinical testing. Allele origin: germline. Observed: 1 variant allele.
Comment: p.Lys510Lys in exon 14 of LARS2: This variant is not expected to have clinical s ignificance because it does not alter an amino acid residue and is not located w ithin the splice consensus sequence. It has been identified in 0.03% (5/16512) o f South Asian chromosomes by the Exome Aggregation Consortium (ExAC .; dbSNP rs752585512).